The following is an entry in ClinVar:

ClinVar aggregate classification (germline): Uncertain significance (1 of 4 stars; one submission).

Submission:

GeneDx
Classification: Uncertain significance. Last evaluated: 2014-07-01. Review status: criteria provided, single submitter. Criteria: GeneDx Variant Classification (06012015). Collection method: clinical testing. Allele origin: germline. Affected: yes.
Comment: The W52R variant has not been published as a mutation or been reported as a benign polymorphism to our knowledge. The W52R variant was not observed in approximately 6,100 individuals of European and African American ancestry in the NHLBI Exome Sequencing Project, indicating it is not a common benign variant in these populations. W52R is a non-conservative amino acid substitution, which is likely to impact secondary protein structure as these residues differ in polarity, charge, size and/or other properties. This substitution occurs at a position that is conserved across species. Moreover, in silico analysis predicts this variant is probably damaging to the protein structure/function. However, no missense mutations in nearby residues have been reported in association with LQTS, indicating that this region of the protein may be tolerant of change. In summary, based on the currently available information, it is unclear whether this variant is a pathogenic mutation or a rare benign variant. The variant is found in LQT panel(s).

NM_000719.7(CACNA1C):c.154T>C (p.Trp52Arg)

Gene: CACNA1C (calcium voltage-gated channel subunit alpha1 C; plus strand). Cytogenetic location: 12p13.33.
Variant type: single nucleotide variant.
Coding change: c.154T>C on transcript NM_000719.7 (MANE Select); coding-DNA position 154, T replaced by C.
Protein change: p.Trp52Arg; replaces tryptophan 52 with arginine.
Molecular consequence: missense variant.
Genome position (GRCh38, 1-based): chr12:2,115,328, T>C. VCF-style: chr12-2115328-T-C. GRCh37 (hg19) VCF-style: chr12-2224494-T-C.
Other names: p.W52R:TGG>CGG; c.154T>C, p.Trp52Arg (NM_001129827.2, NM_001129829.2, NM_001129830.3 and 19 more transcripts); short protein forms W52R.
Identifiers: ClinVar variation 190681 (VCV000190681.2), dbSNP rs786205765, ClinGen allele CA301591.